The following is an entry in ClinVar:

NM_003098.3(SNTA1):c.1213G>T (p.Glu405Ter)

Gene: SNTA1 (syntrophin alpha 1; minus strand). Cytogenetic location: 20q11.21.
Variant type: single nucleotide variant.
Coding change: c.1213G>T on transcript NM_003098.3 (MANE Select); coding-DNA position 1213, G replaced by T.
Protein change: p.Glu405Ter; replaces glutamic acid 405 with a stop codon.
Molecular consequence: nonsense.
Genome position (GRCh38, 1-based): chr20:33,410,159, C>A on the plus strand (G>T on the coding strand, the complement: SNTA1 is on the minus strand). VCF-style: chr20-33410159-C-A. GRCh37 (hg19) VCF-style: chr20-31997965-C-A.
Other names: short protein forms E405*.
Identifiers: ClinVar variation 1751016 (VCV001751016.2), dbSNP rs753334914, ClinGen allele CA408630524.
Genomic context (GRCh38, chr20:33,410,159, plus strand): 5'-TTACCAGAGGGACACTCCCAGATCCTCCCAGCACACCTGTAGACACCTCCTGCACACCCT[C>A]GGCGGCCCGGTGACAGCCATCCACAAGCTGGCGGGTCCAGGCAGCCAGCTCCTGCGGTGA-3'

ClinVar aggregate classification (germline): Uncertain significance (1 of 4 stars; one submission).

Conditions:
Cardiovascular phenotype. Identifiers: MedGen CN230736.

gnomAD v4.1: 3 of 1,614,228 alleles (0.00019%); highest among the groups gnomAD compares: African/African-American, 0.004%; no homozygotes.

Submission:

Ambry Genetics
Classification: Uncertain significance for Cardiovascular phenotype. Last evaluated: 2021-10-28. Review status: criteria provided, single submitter. Criteria: Ambry Variant Classification Scheme 2023. Collection method: clinical testing. Allele origin: germline.
Comment: The p.E405* variant (also known as c.1213G>T), located in coding exon 6 of the SNTA1 gene, results from a G to T substitution at nucleotide position 1213. This changes the amino acid from a glutamic acid to a stop codon within coding exon 6. This alteration is expected to result in premature protein truncation or nonsense-mediated mRNA decay. However, loss of function of SNTA1 has not been clearly established as a mechanism of disease. Since supporting evidence is limited at this time, the clinical significance of this alteration remains unclear.